The following is an entry in ClinVar:

NM_001080414.4(CCDC88C):c.2128C>T (p.Arg710Cys)

Gene: CCDC88C (coiled-coil domain containing 88C; minus strand). Cytogenetic location: 14q32.11.
Variant type: single nucleotide variant.
Coding change: c.2128C>T on transcript NM_001080414.4 (MANE Select); coding-DNA position 2128, C replaced by T.
Protein change: p.Arg710Cys; replaces arginine 710 with cysteine.
Molecular consequence: missense variant.
Genome position (GRCh38, 1-based): chr14:91,313,688, G>A on the plus strand (C>T on the coding strand, the complement: CCDC88C is on the minus strand). VCF-style: chr14-91313688-G-A. GRCh37 (hg19) VCF-style: chr14-91780032-G-A.
Other names: c.2128C>T (NM_001080414.3); short protein forms R710C.
Identifiers: ClinVar variation 2063707 (VCV002063707.3), dbSNP rs201809611, ClinGen allele CA7309740.

ClinVar aggregate classification (germline): Uncertain significance. Review status: criteria provided, multiple submitters, no conflicts (2 of 4 stars). 2 submissions from 2 submitters: Uncertain significance (2). Last evaluated 2025-01-02.

Allele frequency attached by ClinVar (database versions not stated): gnomAD 0.00013; 1000 Genomes Project 30x 0.00016; 1000 Genomes Project 0.00020.
gnomAD v4.1: 197 of 1,611,594 alleles (0.012%); highest among the groups gnomAD compares: Admixed American, 0.033%; no homozygotes.

Submissions (2):

Labcorp Genetics (formerly Invitae), Labcorp
Classification: Uncertain significance. Last evaluated: 2025-01-02. Review status: criteria provided, single submitter. Criteria: Invitae Variant Classification Sherloc (09022015). Collection method: clinical testing. Allele origin: germline.
Comment: This sequence change replaces arginine, which is basic and polar, with cysteine, which is neutral and slightly polar, at codon 710 of the CCDC88C protein (p.Arg710Cys). This variant is present in population databases (rs201809611, gnomAD 0.06%). This variant has not been reported in the literature in individuals affected with CCDC88C-related conditions. ClinVar contains an entry for this variant (Variation ID: 2063707). An algorithm developed to predict the effect of missense changes on protein structure and function (PolyPhen-2) suggests that this variant is likely to be disruptive. In summary, the available evidence is currently insufficient to determine the role of this variant in disease. Therefore, it has been classified as a Variant of Uncertain Significance.

GeneDx
Classification: Uncertain significance. Last evaluated: 2024-04-30. Review status: criteria provided, single submitter. Criteria: GeneDx Variant Classification Process June 2021. Collection method: clinical testing. Allele origin: germline. Affected: yes.
Comment: In silico analysis supports that this missense variant has a deleterious effect on protein structure/function; Has not been previously published as pathogenic or benign to our knowledge